The following is an entry in ClinVar:

NM_016507.4(CDK12):c.3671C>G (p.Ala1224Gly)

Gene: CDK12 (cyclin dependent kinase 12; plus strand). Cytogenetic location: 17q12.
Variant type: single nucleotide variant.
Coding change: c.3671C>G on transcript NM_016507.4 (MANE Select); coding-DNA position 3671, C replaced by G.
Protein change: p.Ala1224Gly; replaces alanine 1224 with glycine.
Molecular consequence: missense variant.
Genome position (GRCh38, 1-based): chr17:39,526,227, C>G. VCF-style: chr17-39526227-C-G. GRCh37 (hg19) VCF-style: chr17-37682480-C-G.
Other names: c.3671C>G, p.Ala1224Gly (NM_015083.4); short protein forms A1224G.
Identifiers: ClinVar variation 4224412 (VCV004224412.1).

ClinVar aggregate classification (germline): Uncertain significance (1 of 4 stars; one submission).

Submission:

Ambry Genetics
Classification: Uncertain significance. Last evaluated: 2025-08-23. Review status: criteria provided, single submitter. Criteria: Ambry Variant Classification Scheme 2023. Collection method: clinical testing. Allele origin: germline.
Comment: The p.A1224G variant (also known as c.3671C>G), located in coding exon 13 of the CDK12 gene, results from a C to G substitution at nucleotide position 3671. The alanine at codon 1224 is replaced by glycine, an amino acid with similar properties. This amino acid position is conserved. In addition, this alteration is predicted to be tolerated by in silico analysis. Based on the available evidence, the clinical significance of this variant remains unclear.